The following is an entry in ClinVar:

NM_000051.4(ATM):c.1912A>C (p.Lys638Gln)

Gene: ATM (ATM serine/threonine kinase; plus strand). Cytogenetic location: 11q22.3.
Variant type: single nucleotide variant.
Coding change: c.1912A>C on transcript NM_000051.4 (MANE Select); coding-DNA position 1912, A replaced by C.
Protein change: p.Lys638Gln; replaces lysine 638 with glutamine.
Molecular consequence: missense variant.
Genome position (GRCh38, 1-based): chr11:108,253,827, A>C. VCF-style: chr11-108253827-A-C. GRCh37 (hg19) VCF-style: chr11-108124554-A-C.
Other names: c.1912A>C, p.Lys638Gln (NM_001351834.2); short protein forms K638Q.
Identifiers: ClinVar variation 1782519 (VCV001782519.2), dbSNP rs2135365951, ClinGen allele CA382536361.

ClinVar aggregate classification (germline): Uncertain significance (1 of 4 stars; one submission).

Conditions:
Hereditary cancer-predisposing syndrome. Also called: Neoplastic Syndromes, Hereditary; Tumor predisposition; Hereditary Cancer Syndrome; Hereditary neoplastic syndrome. Identifiers: Orphanet 140162, MedGen C0027672, MeSH D009386, MONDO:0015356.

Submission:

Ambry Genetics
Classification: Uncertain significance for Hereditary cancer-predisposing syndrome. Last evaluated: 2022-10-03. Review status: criteria provided, single submitter. Criteria: Ambry Variant Classification Scheme 2023. Collection method: clinical testing. Allele origin: germline.
Comment: The p.K638Q variant (also known as c.1912A>C), located in coding exon 12 of the ATM gene, results from an A to C substitution at nucleotide position 1912. The lysine at codon 638 is replaced by glutamine, an amino acid with similar properties. This amino acid position is not well conserved in available vertebrate species. In addition, this alteration is predicted to be tolerated by in silico analysis. Since supporting evidence is limited at this time, the clinical significance of this alteration remains unclear.